The following is an entry in ClinVar:

NM_152564.5(VPS13B):c.4609_4610del (p.Glu1537fs)

Gene: VPS13B (vacuolar protein sorting 13 homolog B; plus strand). Cytogenetic location: 8q22.2.
Variant type: Deletion.
Coding change: c.4609_4610del on transcript NM_152564.5 (MANE Select); coding-DNA positions 4609 to 4610, 2 bases deleted (GA; older notation c.4609_4610delGA).
Protein change: p.Glu1537fs; shifts the reading frame from glutamic acid 1537.
Molecular consequence: frameshift variant.
Genome position (GRCh38, 1-based): chr8:99,511,488-99,511,489, GA deleted; deleting any 2 consecutive bases within chr8:99,511,487-99,511,489 gives the same sequence; the c. name uses the placement nearest the transcript's 3' end. VCF-style (leftmost placement, unchanged base first): chr8-99511486-CAG-C. GRCh37 (hg19) VCF-style: chr8-100523714-CAG-C.
Other names: c.4608_4609del (NM_152564.4); c.4684_4685del (NM_017890.4); c.4684_4685del, p.Glu1562fs (NM_017890.5); short protein forms E1562fs, E1537fs.
Identifiers: ClinVar variation 548466 (VCV000548466.10), dbSNP rs1554826615, ClinGen allele CA658821877.
Genomic context (GRCh38, chr8:99,511,486, plus strand): 5'-CCCGCAATTTACCTTTGATTTATGTCAACACAAGTGTAATCAGAATTTTTATTCCAAAAA[CAG>C]AAGAAATGCAGCCAACTGTTGAAGGTATTGTCTTCTGATTTTTTTTGTCTGATTTTAAAT-3'

ClinVar aggregate classification (germline): Pathogenic. Review status: criteria provided, multiple submitters, no conflicts (2 of 4 stars). 3 submissions from 3 submitters: Pathogenic (3). Last evaluated 2023-08-28.

Conditions:
Cohen syndrome (COH1). Also called: Cutis verticis gyrata, retinitis pigmentosa, and sensorineural deafness; PEPPER SYNDROME. Identifiers: Orphanet 193, MedGen C0265223, MONDO:0008999, OMIM 216550.

Submissions (3):

Labcorp Genetics (formerly Invitae), Labcorp
Classification: Pathogenic for Cohen syndrome. Last evaluated: 2023-08-28. Review status: criteria provided, single submitter. Criteria: Invitae Variant Classification Sherloc (09022015). Collection method: clinical testing. Allele origin: germline.
Comment: For these reasons, this variant has been classified as Pathogenic. ClinVar contains an entry for this variant (Variation ID: 548466). This variant is also known as c.4608_4609del (p.E1537Rfs*7). This premature translational stop signal has been observed in individual(s) with clinical features of Cohen syndrome (PMID: 31444703). This variant is not present in population databases (gnomAD no frequency). This sequence change creates a premature translational stop signal (p.Glu1562Argfs*7) in the VPS13B gene. It is expected to result in an absent or disrupted protein product. Loss-of-function variants in VPS13B are known to be pathogenic (PMID: 15141358, 16648375, 20461111).

Genomic Research Center, Shahid Beheshti University of Medical Sciences
Classification: Pathogenic for Cohen syndrome. Last evaluated: 2018-03-05. Review status: criteria provided, single submitter. Criteria: ACMG Guidelines, 2015. Collection method: clinical testing. Allele origin: inherited. Affected: yes. Observed: 1 variant allele.

Juno Genomics, Hangzhou Juno Genomics, Inc
Classification: Pathogenic for Cohen syndrome. Review status: criteria provided, single submitter. Criteria: ACMG Guidelines, 2015. Collection method: clinical testing. Allele origin: germline. Affected: yes.
Comment: Null variant in a gene where loss of function (LOF) is a known mechanism of disease.;Absent from controls (or at extremely low frequency if recessive) in Genome Aggregation Database, Exome Sequencing Project, 1000 Genomes Project, or Exome Aggregation Consortium.;For recessive disorders, detected in trans with a pathogenic variant.

Literature cited by the submitters: PubMed 31444703 (cited by Labcorp Genetics (formerly Invitae), Labcorp); PubMed 15141358 (cited by Labcorp Genetics (formerly Invitae), Labcorp); PubMed 16648375 (cited by Labcorp Genetics (formerly Invitae), Labcorp); PubMed 20461111 (cited by Labcorp Genetics (formerly Invitae), Labcorp).